The following is an entry in ClinVar:

ClinVar aggregate classification (germline): Uncertain significance. Review status: reviewed by expert panel (3 of 4 stars). 3 submissions from 3 submitters: Uncertain significance (1). 2 of the submissions do not count toward it. Last evaluated 2025-02-25.

Conditions:
Hereditary thrombocytopenia and hematologic cancer predisposition syndrome. Identifiers: Orphanet 71290, MedGen CN281654, MONDO:0011071.
Inborn genetic diseases. Identifiers: MedGen C0950123, MeSH D030342.
Hereditary thrombocytopenia and hematological cancer predisposition syndrome associated with RUNX1. Also called: RUNX1 Familial Platelet Disorder with Associated Myeloid Malignancies; Familial Platelet Disorder with Propensity to Acute Myelogenous Leukemia; Familial thrombocytopenia with propensity to acute myelogenous leukemia; PLATELET DISORDER, ASPIRIN-LIKE. Identifiers: Orphanet 71290, MedGen C1832388, MeSH C563324, MONDO:0100083, OMIM 601399.

Submissions (3):

ClinGen Myeloid Malignancy Variant Curation Expert Panel
Classification: Uncertain significance for Hereditary thrombocytopenia and hematologic cancer predisposition syndrome. Last evaluated: 2025-02-25. Review status: reviewed by expert panel. Criteria: ClinGen MyeloMalig ACMG Specifications v2. Collection method: curation. Allele origin: germline. Inheritance: Autosomal dominant inheritance.
Comment: NM_001754.5(RUNX1):c.145C>T (p.Pro49Ser) is a missense variant that is completely absent from all population databases with at least 20x coverage for RUNX1 (PM2_Supporting). This missense variant has a REVEL score < 0.50 (0.425) and a SpliceAI score ≤ 0.20 (0.05) (BP4). In summary, the clinical significance of this variant is uncertain. ACMG/AMP criteria applied, as specified by the Myeloid Malignancy Variant Curation Expert Panel for RUNX1: PM2_supporting, BP4.

Ambry Genetics
Classification: Uncertain significance for Inborn genetic diseases. Last evaluated: 2025-08-04. Review status: criteria provided, single submitter. Criteria: Ambry Variant Classification Scheme 2023. Collection method: clinical testing. Allele origin: germline. Not counted in ClinVar's aggregate classification.
Comment: The p.P49S variant (also known as c.145C>T), located in coding exon 3 of the RUNX1 gene, results from a C to T substitution at nucleotide position 145. The proline at codon 49 is replaced by serine, an amino acid with similar properties. This amino acid position is highly conserved in available vertebrate species. In addition, the in silico prediction for this alteration is inconclusive. Based on the available evidence, the clinical significance of this variant remains unclear.

Labcorp Genetics (formerly Invitae), Labcorp
Classification: Uncertain significance for Hereditary thrombocytopenia and hematological cancer predisposition syndrome associated with RUNX1. Last evaluated: 2023-03-20. Review status: criteria provided, single submitter. Criteria: Invitae Variant Classification Sherloc (09022015). Collection method: clinical testing. Allele origin: germline. Not counted in ClinVar's aggregate classification.
Comment: This sequence change replaces proline, which is neutral and non-polar, with serine, which is neutral and polar, at codon 49 of the RUNX1 protein (p.Pro49Ser). This variant is not present in population databases (gnomAD no frequency). This variant has not been reported in the literature in individuals affected with RUNX1-related conditions. Advanced modeling of protein sequence and biophysical properties (such as structural, functional, and spatial information, amino acid conservation, physicochemical variation, residue mobility, and thermodynamic stability) performed at Invitae indicates that this missense variant is not expected to disrupt RUNX1 protein function. In summary, the available evidence is currently insufficient to determine the role of this variant in disease. Therefore, it has been classified as a Variant of Uncertain Significance.

NM_001754.5(RUNX1):c.145C>T (p.Pro49Ser)

Gene: RUNX1 (RUNX family transcription factor 1; minus strand). Cytogenetic location: 21q22.12.
Variant type: single nucleotide variant.
Coding change: c.145C>T on transcript NM_001754.5 (MANE Select); coding-DNA position 145, C replaced by T.
Protein change: p.Pro49Ser; replaces proline 49 with serine.
Molecular consequence: missense variant.
Genome position (GRCh38, 1-based): chr21:34,887,049, G>A on the plus strand (C>T on the coding strand, the complement: RUNX1 is on the minus strand). VCF-style: chr21-34887049-G-A. GRCh37 (hg19) VCF-style: chr21-36259346-G-A.
Other names: NM_001754.5(RUNX1):c.145C>T; p.Pro49Ser; c.64C>T, p.Pro22Ser (NM_001001890.3, NM_001122607.2); short protein forms P22S, P49S.
Identifiers: ClinVar variation 3003823 (VCV003003823.5), dbSNP rs755793721, ClinGen allele CA410204137.
Genomic context (GRCh38, chr21:34,887,049, plus strand): 5'-CGGCCAGGGCAGCGCCGGCGTCCGGGGCGCCCAGCGGCAACGCCTCGCTCATCTTGCCTG[G>A]GCTCAGCGCGGTGGAAGGCGGCGTGAAGCGGCGGCTCGTGCTGGCATCTACGGGGATACG-3'
Protein context (NP_001745.2, residues 39-59): RFTPPSTALS[Pro49Ser]GKMSEALPLG